The following is an entry in ClinVar:

ClinVar aggregate classification (germline): Pathogenic (1 of 4 stars; one submission).

Submission:

GeneDx
Classification: Pathogenic. Last evaluated: 2018-09-17. Review status: criteria provided, single submitter. Criteria: GeneDx Variant Classification (06012015). Collection method: clinical testing. Allele origin: germline. Affected: yes.
Comment: The c.2802dupC variant in the RAI1 gene has not been published as a pathogenic variant, nor has it been reported as a benign variant to our knowledge. This variant is not observed in large population cohorts (Lek et al., 2016). The c.2802dupC variant causes a frameshift starting with codon Glutamic acid 935, changes this amino acid to an Arginine residue, and creates a premature Stop codon at position 9 of the new reading frame, denoted p.Glu935ArgfsX9. This variant is predicted to cause loss of normal protein function either through protein truncation or nonsense-mediated mRNA decay. Therefore, we interpret c.2802dupC as a pathogenic variant.

NM_030665.4(RAI1):c.2802dup (p.Glu935fs)

Gene: RAI1 (retinoic acid induced 1; plus strand). Cytogenetic location: 17p11.2.
Variant type: Duplication.
Coding change: c.2802dup on transcript NM_030665.4 (MANE Select); coding-DNA position 2802, one base duplicated (C; older notation c.2802dupC).
Protein change: p.Glu935fs; shifts the reading frame from glutamic acid 935.
Molecular consequence: frameshift variant.
Genome position (GRCh38, 1-based): chr17:17,795,750, C duplicated; the last of 2 consecutive C bases (chr17:17,795,749-17,795,750); duplicating either gives the same sequence. VCF-style (leftmost placement, unchanged base first): chr17-17795748-A-AC. GRCh37 (hg19) VCF-style: chr17-17699062-A-AC.
Other names: short protein forms E935fs.
Identifiers: ClinVar variation 817786 (VCV000817786.1), dbSNP rs1598090745, ClinGen allele CA915949618.